The following is an entry in ClinVar:

NM_001277115.2(DNAH11):c.8764T>C (p.Phe2922Leu)

Gene: DNAH11 (dynein axonemal heavy chain 11; plus strand). Cytogenetic location: 7p15.3.
Variant type: single nucleotide variant.
Coding change: c.8764T>C on transcript NM_001277115.2 (MANE Select); coding-DNA position 8764, T replaced by C.
Protein change: p.Phe2922Leu; replaces phenylalanine 2922 with leucine.
Molecular consequence: missense variant.
Genome position (GRCh38, 1-based): chr7:21,749,768, T>C. VCF-style: chr7-21749768-T-C. GRCh37 (hg19) VCF-style: chr7-21789386-T-C.
Other names: short protein forms F2922L.
Identifiers: ClinVar variation 645968 (VCV000645968.12), dbSNP rs552567607, ClinGen allele CA4181707.
Genomic context (GRCh38, chr7:21,749,768, plus strand): 5'-GGAGCCAAGAACATGCCCACTGTGTTCCTGCTGACAGATGCCCAGGTTCTAGATGAGAGC[T>C]TCCTCGTGCTGATTAATGACTTGCTGGCATCAGGTGATTAAACCAACACATTTCTTGAAA-3'
Protein context (NP_001264044.1, residues 2912-2932): LTDAQVLDES[Phe2922Leu]LVLINDLLAS

ClinVar aggregate classification (germline): Conflicting classifications of pathogenicity. Review status: criteria provided, conflicting classifications (1 of 4 stars). 3 submissions from 3 submitters: Uncertain significance (2); Benign (1). Last evaluated 2024-09-07.

Conditions:
Primary ciliary dyskinesia. Also called: Ciliary dyskinesia. Identifiers: Orphanet 244, MedGen C0008780, MONDO:0016575, HP:0012265.

Allele frequency attached by ClinVar (database versions not stated): gnomAD exomes 0.00002 and below 0.00001; ExAC 0.00003; gnomAD 0.00008 and 0.00009; TOPMed 0.00010; 1000 Genomes Project 0.00020; 1000 Genomes Project 30x 0.00031.
gnomAD v4.1: 20 of 1,613,940 alleles (0.0012%); highest among the groups gnomAD compares: African/African-American, 0.024%; no homozygotes.

Submissions (3):

GeneDx
Classification: Uncertain significance. Last evaluated: 2024-09-07. Review status: criteria provided, single submitter. Criteria: GeneDx Variant Classification Process June 2021. Collection method: clinical testing. Allele origin: germline. Affected: yes.
Comment: In silico analysis supports that this missense variant has a deleterious effect on protein structure/function; Has not been previously published as pathogenic or benign to our knowledge

Labcorp Genetics (formerly Invitae), Labcorp
Classification: Benign for Primary ciliary dyskinesia. Last evaluated: 2023-12-03. Review status: criteria provided, single submitter. Criteria: Invitae Variant Classification Sherloc (09022015). Collection method: clinical testing. Allele origin: germline.

Ambry Genetics
Classification: Uncertain significance for Primary ciliary dyskinesia. Last evaluated: 2023-06-12. Review status: criteria provided, single submitter. Criteria: Ambry Variant Classification Scheme 2023. Collection method: clinical testing. Allele origin: germline.
Comment: The p.F2922L variant (also known as c.8764T>C), located in coding exon 53 of the DNAH11 gene, results from a T to C substitution at nucleotide position 8764. The phenylalanine at codon 2922 is replaced by leucine, an amino acid with highly similar properties. This amino acid position is conserved. In addition, the in silico prediction for this alteration is inconclusive. Since supporting evidence is limited at this time, the clinical significance of this alteration remains unclear.